The following is an entry in ClinVar:

NM_014049.5(ACAD9):c.554+1G>A

Gene: ACAD9 (acyl-CoA dehydrogenase family member 9; plus strand). Cytogenetic location: 3q21.3.
Variant type: single nucleotide variant.
Coding change: c.554+1G>A on transcript NM_014049.5 (MANE Select); the canonical splice donor site of the intron after coding-DNA position 554, G replaced by A.
Molecular consequence: splice donor variant.
Genome position (GRCh38, 1-based): chr3:128,896,537, G>A. VCF-style: chr3-128896537-G-A. GRCh37 (hg19) VCF-style: chr3-128615380-G-A.
Other names: c.185+1G>A (NM_001410805.1).
Identifiers: ClinVar variation 1468731 (VCV001468731.6), dbSNP rs2107651375, ClinGen allele CA354433748.

ClinVar aggregate classification (germline): Likely pathogenic (1 of 4 stars; one submission).

Submission:

Labcorp Genetics (formerly Invitae), Labcorp
Classification: Likely pathogenic. Last evaluated: 2021-07-03. Review status: criteria provided, single submitter. Criteria: Invitae Variant Classification Sherloc (09022015). Collection method: clinical testing. Allele origin: germline.
Comment: In summary, the currently available evidence indicates that the variant is pathogenic, but additional data are needed to prove that conclusively. Therefore, this variant has been classified as Likely Pathogenic. Algorithms developed to predict the effect of sequence changes on RNA splicing suggest that this variant may disrupt the consensus splice site. This variant has not been reported in the literature in individuals affected with ACAD9-related conditions. This variant is not present in population databases (ExAC no frequency). This sequence change affects a donor splice site in intron 5 of the ACAD9 gene. It is expected to disrupt RNA splicing. Variants that disrupt the donor or acceptor splice site typically lead to a loss of protein function (PMID: 16199547), and loss-of-function variants in ACAD9 are known to be pathogenic (PMID: 25721401).

Literature cited by the submitters: PubMed 16199547; PubMed 25721401.